The following is an entry in ClinVar:

ClinVar aggregate classification (germline): Pathogenic (1 of 4 stars; one submission).

Conditions:
Beckwith-Wiedemann syndrome (BWS). Also called: EMG SYNDROME; Exomphalos macroglossia gigantism syndrome. Identifiers: Orphanet 116, MedGen C0004903, MONDO:0007534, OMIM 130650.

Submission:

Labcorp Genetics (formerly Invitae), Labcorp
Classification: Pathogenic for Beckwith-Wiedemann syndrome. Last evaluated: 2020-12-10. Review status: criteria provided, single submitter. Criteria: Invitae Variant Classification Sherloc (09022015). Collection method: clinical testing. Allele origin: germline.
Comment: For these reasons, this variant has been classified as Pathogenic. This variant has not been reported in the literature in individuals with CDKN1C-related conditions. The frequency data for this variant in the population databases is considered unreliable, as metrics indicate insufficient coverage at this position in the ExAC database. This sequence change creates a premature translational stop signal (p.Arg281Ilefs*4) in the CDKN1C gene. It is expected to result in an absent or disrupted protein product. Loss-of-function variants in CDKN1C are known to be pathogenic (PMID: 20503313).

Literature cited by the submitters: PubMed 20503313.

NM_001122630.2(CDKN1C):c.809_810del (p.Arg270fs)

Gene: CDKN1C (cyclin dependent kinase inhibitor 1C; minus strand). Cytogenetic location: 11p15.4.
Variant type: Microsatellite.
Coding change: c.809_810del on transcript NM_001122630.2 (MANE Select); coding-DNA positions 809 to 810, 2 bases deleted (GA; older notation c.809_810delGA).
Protein change: p.Arg270fs; shifts the reading frame from arginine 270.
Molecular consequence: frameshift variant.
Genome position (GRCh38, 1-based): chr11:2,884,112-2,884,113, TC deleted on the plus strand (GA on the coding strand, the reverse complement: CDKN1C is on the minus strand); deleting any 2 consecutive bases within chr11:2,884,112-2,884,116 gives the same sequence; the c. name uses the placement nearest the transcript's 3' end. VCF-style (leftmost placement, unchanged base first): chr11-2884111-ATC-A. GRCh37 (hg19) VCF-style: chr11-2905341-ATC-A.
Other names: c.842_843del, p.Arg281fs (NM_000076.2, NM_001362474.2); c.809_810del, p.Arg270fs (NM_001122631.2); c.277_278del, p.Asp93fs (NM_001362475.2); short protein forms R270fs, D93fs, R281fs.
Identifiers: ClinVar variation 1391208 (VCV001391208.6), dbSNP rs2133780268, ClinGen allele CA2580615609.
Genomic context (GRCh38, chr11:2,884,111, plus strand): 5'-GGGCGGCGCTTGGAGAGGGACACGGCGCGGGGACATCGCCCGACGACTTCTCAGGCGCTG[ATC>A]TCTTGCGCTTGGCGAAGAAATCTGCGGGCGACAGCGCGCGCGGCCGGTCAGGGCGGGGCC-3'